The following is an entry in ClinVar:

ClinVar aggregate classification (germline): Uncertain significance. Review status: criteria provided, multiple submitters, no conflicts (2 of 4 stars). 2 submissions from 2 submitters: Uncertain significance (2). Last evaluated 2025-05-01.

gnomAD v4.1: 3 of 1,597,854 alleles (0.00019%); highest among the groups gnomAD compares: South Asian, 0.0011%; no homozygotes.

Submissions (2):

CeGaT Center for Human Genetics Tuebingen
Classification: Uncertain significance. Last evaluated: 2025-05-01. Review status: criteria provided, single submitter. Criteria: CeGaT Center For Human Genetics Tuebingen Variant Classification Criteria Version 2. Collection method: clinical testing. Allele origin: germline. Affected: yes. Observed: 1 variant allele.
Comment: FLVCR1: PM2, PM3:Supporting, BP4

Blueprint Genetics
Classification: Uncertain significance. Last evaluated: 2017-12-21. Review status: criteria provided, single submitter. Criteria: ACMG Guidelines, 2015. Collection method: clinical testing. Allele origin: germline.

NM_014053.4(FLVCR1):c.1565T>C (p.Ile522Thr)

Gene: FLVCR1 (FLVCR choline and heme transporter 1; plus strand). Cytogenetic location: 1q32.3.
Variant type: single nucleotide variant.
Coding change: c.1565T>C on transcript NM_014053.4 (MANE Select); coding-DNA position 1565, T replaced by C.
Protein change: p.Ile522Thr; replaces isoleucine 522 with threonine.
Molecular consequence: missense variant.
Genome position (GRCh38, 1-based): chr1:212,895,025, T>C. VCF-style: chr1-212895025-T-C. GRCh37 (hg19) VCF-style: chr1-213068367-T-C.
Other names: short protein forms I522T.
Identifiers: ClinVar variation 3905782 (VCV003905782.11).